The following is an entry in ClinVar:

NM_024753.5(TTC21B):c.2572C>G (p.Arg858Gly)

Gene: TTC21B (tetratricopeptide repeat domain 21B; minus strand). Cytogenetic location: 2q24.3.
Variant type: single nucleotide variant.
Coding change: c.2572C>G on transcript NM_024753.5 (MANE Select); coding-DNA position 2572, C replaced by G.
Protein change: p.Arg858Gly; replaces arginine 858 with glycine.
Molecular consequence: missense variant.
Genome position (GRCh38, 1-based): chr2:165,901,907, G>C on the plus strand (C>G on the coding strand, the complement: TTC21B is on the minus strand). VCF-style: chr2-165901907-G-C. GRCh37 (hg19) VCF-style: chr2-166758417-G-C.
Other names: short protein forms R858G.
Identifiers: ClinVar variation 961928 (VCV000961928.10), dbSNP rs895624584, ClinGen allele CA349053213.

ClinVar aggregate classification (germline): Uncertain significance. Review status: criteria provided, multiple submitters, no conflicts (2 of 4 stars). 2 submissions from 2 submitters: Uncertain significance (2). Last evaluated 2024-02-20.

Conditions:
Nephronophthisis 12 (NPHP12). Identifiers: Orphanet 655, MedGen C3151186, MONDO:0013442, OMIM 613820.
Asphyxiating thoracic dystrophy 4 (SRTD4). Also called: SHORT-RIB THORACIC DYSPLASIA 4 WITH OR WITHOUT POLYDACTYLY; SHORT-RIB THORACIC DYSPLASIA 4. Identifiers: Orphanet 474, MedGen C3151185, MONDO:0013441, OMIM 613819.
Nephronophthisis. Also called: Juvenile Nephronophthisis. Identifiers: Orphanet 655, MedGen C0687120, MONDO:0019005, HP:0000090.
Jeune thoracic dystrophy. Also called: Jeune syndrome; Infantile thoracic dystrophy; Thoracic pelvic phalangeal dystrophy; Jeune's syndrome; Chondroectodermal dysplasia-like syndrome; Short-rib thoracic dysplasia. Identifiers: Orphanet 474, MedGen C0265275, MONDO:0018770.

Allele frequency attached by ClinVar (database versions not stated): gnomAD 0.00001.
gnomAD v4.1: 4 of 1,612,056 alleles (0.00025%); highest among the groups gnomAD compares: Admixed American, 0.005%; no homozygotes.

Submissions (2):

Fulgent Genetics
Classification: Uncertain significance for Asphyxiating thoracic dystrophy 4; Nephronophthisis 12. Last evaluated: 2024-02-20. Review status: criteria provided, single submitter. Criteria: ACMG Guidelines, 2015. Collection method: clinical testing. Allele origin: germline.

Labcorp Genetics (formerly Invitae), Labcorp
Classification: Uncertain significance for Jeune thoracic dystrophy; Nephronophthisis. Last evaluated: 2019-08-08. Review status: criteria provided, single submitter. Criteria: Invitae Variant Classification Sherloc (09022015). Collection method: clinical testing. Allele origin: germline.
Comment: This sequence change replaces arginine with glycine at codon 858 of the TTC21B protein (p.Arg858Gly). The arginine residue is highly conserved and there is a moderate physicochemical difference between arginine and glycine. This variant is not present in population databases (ExAC no frequency). This variant has not been reported in the literature in individuals with TTC21B-related conditions. Algorithms developed to predict the effect of missense changes on protein structure and function (SIFT, PolyPhen-2, Align-GVGD) all suggest that this variant is likely to be disruptive, but these predictions have not been confirmed by published functional studies and their clinical significance is uncertain. In summary, the available evidence is currently insufficient to determine the role of this variant in disease. Therefore, it has been classified as a Variant of Uncertain Significance.